The following is an entry in ClinVar:

ClinVar aggregate classification (germline): Uncertain significance (1 of 4 stars; one submission).

Conditions:
Charcot-Marie-Tooth disease type 4. Also called: Charcot-Marie-Tooth, Type 4; Charcot-Marie-Tooth disease, type IV. Identifiers: Orphanet 64749, MedGen C4082197, MONDO:0018995.

gnomAD v4.1: 7 of 1,614,182 alleles (0.00043%); highest among the groups gnomAD compares: Non-Finnish European, 0.00059%; no homozygotes.

Submission:

Labcorp Genetics (formerly Invitae), Labcorp
Classification: Uncertain significance for Charcot-Marie-Tooth disease type 4. Last evaluated: 2024-03-15. Review status: criteria provided, single submitter. Criteria: Invitae Variant Classification Sherloc (09022015). Collection method: clinical testing. Allele origin: germline.
Comment: This sequence change replaces cysteine, which is neutral and slightly polar, with phenylalanine, which is neutral and non-polar, at codon 1633 of the SBF2 protein (p.Cys1633Phe). This variant is not present in population databases (gnomAD no frequency). This variant has not been reported in the literature in individuals affected with SBF2-related conditions. Advanced modeling of protein sequence and biophysical properties (such as structural, functional, and spatial information, amino acid conservation, physicochemical variation, residue mobility, and thermodynamic stability) performed at Invitae indicates that this missense variant is not expected to disrupt SBF2 protein function with a negative predictive value of 80%. In summary, the available evidence is currently insufficient to determine the role of this variant in disease. Therefore, it has been classified as a Variant of Uncertain Significance.

NM_030962.4(SBF2):c.4898G>T (p.Cys1633Phe)

Genes: SBF2 (SET binding factor 2; minus strand), SBF2-AS1 (SBF2 antisense RNA 1; plus strand), LOC105369149 (uncharacterized LOC105369149; plus strand). Cytogenetic location: 11p15.4.
Variant type: single nucleotide variant.
Coding change: c.4898G>T on transcript NM_030962.4 (MANE Select); coding-DNA position 4898, G replaced by T.
Protein change: p.Cys1633Phe; replaces cysteine 1633 with phenylalanine.
Molecular consequence: missense variant.
Genome position (GRCh38, 1-based): chr11:9,789,143, C>A on the plus strand (G>T on the coding strand, the complement: SBF2 is on the minus strand). VCF-style: chr11-9789143-C-A. GRCh37 (hg19) VCF-style: chr11-9810690-C-A.
Other names: c.4994G>T, p.Cys1665Phe (NM_001386339.1); c.4769G>T, p.Cys1590Phe (NM_001386342.1); c.4934G>T, p.Cys1645Phe (NM_001424318.1, NM_001425070.1); c.4793G>T, p.Cys1598Phe (NM_001425069.1); short protein forms C1598F, C1645F, C1665F, C1590F, C1633F.
Identifiers: ClinVar variation 3713792 (VCV003713792.2).